The following is an entry in ClinVar:

NM_001177316.2(SLC34A3):c.1660G>A (p.Val554Ile)

Gene: SLC34A3 (solute carrier family 34 member 3; plus strand). Cytogenetic location: 9q34.3.
Variant type: single nucleotide variant.
Coding change: c.1660G>A on transcript NM_001177316.2 (MANE Select); coding-DNA position 1660, G replaced by A.
Protein change: p.Val554Ile; replaces valine 554 with isoleucine.
Molecular consequence: missense variant.
Genome position (GRCh38, 1-based): chr9:137,236,276, G>A. VCF-style: chr9-137236276-G-A. GRCh37 (hg19) VCF-style: chr9-140130728-G-A.
Other names: c.1660G>A, p.Val554Ile (NM_001177317.2, NM_080877.3); short protein forms V554I.
Identifiers: ClinVar variation 1900377 (VCV001900377.2), dbSNP rs548027954, ClinGen allele CA201700224.

ClinVar aggregate classification (germline): Uncertain significance (1 of 4 stars; one submission).

Allele frequency attached by ClinVar (database versions not stated): gnomAD 0.00003; TOPMed 0.00003; 1000 Genomes Project 30x 0.00016; 1000 Genomes Project 0.00020.
gnomAD v4.1: 56 of 1,543,732 alleles (0.0036%); highest among the groups gnomAD compares: Admixed American, 0.0059%; no homozygotes.

Submission:

Labcorp Genetics (formerly Invitae), Labcorp
Classification: Uncertain significance. Last evaluated: 2022-08-11. Review status: criteria provided, single submitter. Criteria: Invitae Variant Classification Sherloc (09022015). Collection method: clinical testing. Allele origin: germline.
Comment: This sequence change replaces valine, which is neutral and non-polar, with isoleucine, which is neutral and non-polar, at codon 554 of the SLC34A3 protein (p.Val554Ile). This variant is present in population databases (rs548027954, gnomAD 0.008%). This variant has not been reported in the literature in individuals affected with SLC34A3-related conditions. Algorithms developed to predict the effect of missense changes on protein structure and function output the following: SIFT: "Tolerated"; PolyPhen-2: "Benign"; Align-GVGD: "Class C0". The isoleucine amino acid residue is found in multiple mammalian species, which suggests that this missense change does not adversely affect protein function. In summary, the available evidence is currently insufficient to determine the role of this variant in disease. Therefore, it has been classified as a Variant of Uncertain Significance.